The following is an entry in ClinVar:

NM_001378457.1(DMXL2):c.2981C>T (p.Thr994Met)

Gene: DMXL2 (Dmx like 2; minus strand). Cytogenetic location: 15q21.2.
Variant type: single nucleotide variant.
Coding change: c.2981C>T on transcript NM_001378457.1 (MANE Select); coding-DNA position 2981, C replaced by T.
Protein change: p.Thr994Met; replaces threonine 994 with methionine.
Molecular consequence: missense variant. On other transcripts: non-coding transcript variant (2), intron variant (2).
Genome position (GRCh38, 1-based): chr15:51,502,817, G>A on the plus strand (C>T on the coding strand, the complement: DMXL2 is on the minus strand). VCF-style: chr15-51502817-G-A. GRCh37 (hg19) VCF-style: chr15-51795014-G-A.
Other names: c.2981C>T, p.Thr994Met (NM_001174116.3, NM_001378458.1, NM_001378459.1 and 4 more transcripts); c.2741C>T, p.Thr914Met (NM_001378464.1); c.2764+4317C>T (NM_001378460.1, NM_001174117.3); short protein forms T914M, T994M.
Identifiers: ClinVar variation 1940806 (VCV001940806.2), dbSNP rs770583176, ClinGen allele CA7562225.

ClinVar aggregate classification (germline): Uncertain significance (1 of 4 stars; one submission).

Allele frequency attached by ClinVar (database versions not stated): TOPMed 0.00001; gnomAD exomes below 0.00001; ExAC 0.00001; gnomAD 0.00001.
gnomAD v4.1: 9 of 1,613,424 alleles (0.00056%); highest among the groups gnomAD compares: African/African-American, 0.0027%; no homozygotes.

Submission:

Labcorp Genetics (formerly Invitae), Labcorp
Classification: Uncertain significance. Last evaluated: 2022-04-19. Review status: criteria provided, single submitter. Criteria: Invitae Variant Classification Sherloc (09022015). Collection method: clinical testing. Allele origin: germline.
Comment: This sequence change replaces threonine, which is neutral and polar, with methionine, which is neutral and non-polar, at codon 994 of the DMXL2 protein (p.Thr994Met). This variant is present in population databases (rs770583176, gnomAD 0.003%). This variant has not been reported in the literature in individuals affected with DMXL2-related conditions. Algorithms developed to predict the effect of missense changes on protein structure and function are either unavailable or do not agree on the potential impact of this missense change (SIFT: "Deleterious"; PolyPhen-2: "Probably Damaging"; Align-GVGD: "Class C0"). In summary, the available evidence is currently insufficient to determine the role of this variant in disease. Therefore, it has been classified as a Variant of Uncertain Significance.